The following is an entry in ClinVar:

NM_019892.6(INPP5E):c.1688G>A (p.Arg563His)

Gene: INPP5E (inositol polyphosphate-5-phosphatase E; minus strand). Cytogenetic location: 9q34.3.
Variant type: single nucleotide variant.
Coding change: c.1688G>A on transcript NM_019892.6 (MANE Select); coding-DNA position 1688, G replaced by A.
Protein change: p.Arg563His; replaces arginine 563 with histidine.
Molecular consequence: missense variant.
Genome position (GRCh38, 1-based): chr9:136,430,391, C>T on the plus strand (G>A on the coding strand, the complement: INPP5E is on the minus strand). VCF-style: chr9-136430391-C-T. GRCh37 (hg19) VCF-style: chr9-139324843-C-T.
Other names: c.1685G>A, p.Arg562His (NM_001318502.2); c.1688G>A (NM_019892.5); short protein forms R563H, R562H.
Identifiers: ClinVar variation 398 (VCV000000398.5), dbSNP rs121918128, ClinGen allele CA259596.

ClinVar aggregate classification (germline): Likely pathogenic. Review status: criteria provided, multiple submitters, no conflicts (2 of 4 stars). 4 submissions from 4 submitters: Likely pathogenic (3). 1 of the submissions does not count toward it. Last evaluated 2025-08-13.

Conditions:
INPP5E-related disorder. Also called: INPP5E-related condition.
Joubert syndrome and related disorders. Identifiers: Orphanet 140874, MedGen C5679612, MONDO:0015369.
Joubert syndrome 1 (JBTS1). Also called: CEREBELLOPARENCHYMAL DISORDER IV; Cerebellooculorenal syndrome 1. Identifiers: MedGen C4551568, MONDO:0008944, OMIM 213300.

Allele frequency attached by ClinVar (database versions not stated): gnomAD below 0.00001 and 0.00001; gnomAD exomes 0.00001 and 0.00002; TOPMed 0.00001; ExAC 0.00005.

Submissions (4):

PreventionGenetics, part of Exact Sciences
Classification: Likely pathogenic for INPP5E-related condition. Last evaluated: 2025-08-13. Review status: criteria provided, single submitter. Criteria: ACMG Guidelines, 2015. Collection method: clinical testing. Allele origin: germline.
Comment: The INPP5E c.1688G>A variant is predicted to result in the amino acid substitution p.Arg563His. This variant has previously been found in the homozygous state in affected individuals from consanguineous families (see family MTI-008 from Bielas et al. 2009. PubMed ID: 19668216; Table 1, Travaglini et al. 2013. PubMed ID: 23386033). Functional analysis suggests the p.Arg563His variant alters protein function, decreasing phosphatase activity toward certain substrates (Bielas et al. 2009. PubMed ID: 19668216). This variant is reported in 0.0043% of alleles in individuals of South Asian descent in gnomAD. This variant is interpreted as likely pathogenic.

Dubai Health Genomic Medicine Center, Dubai Health
Classification: Likely pathogenic for Joubert syndrome 1. Last evaluated: 2024-10-04. Review status: criteria provided, single submitter. Criteria: ACMG Guidelines, 2015. Collection method: research. Allele origin: germline. Affected: yes.
Comment: PP1,PM3,PM2,PM5

Women's Health and Genetics/Laboratory Corporation of America, LabCorp
Classification: Likely pathogenic for Joubert syndrome and related disorders. Last evaluated: 2024-07-18. Review status: criteria provided, single submitter. Criteria: LabCorp Variant Classification Summary - May 2015. Collection method: clinical testing. Allele origin: germline.
Comment: Variant summary: INPP5E c.1688G>A (p.Arg563His) results in a non-conservative amino acid change located in the Inositol polyphosphate-related phosphatase (IPR000300) of the encoded protein sequence. Five of five in-silico tools predict a damaging effect of the variant on protein function. The variant allele was found at a frequency of 6.1e-06 in 162982 control chromosomes. c.1688G>A has been reported in the literature in at-least two individuals affected with Joubert Syndrome (Bielas_2009, Travaglini_2013). These data indicate that the variant is likely to be associated with disease. At least one publication reports experimental evidence evaluating an impact on protein function. The most pronounced variant effect results in about 50% of normal INPP5E activity in HEK29T cells (Bielas_2009). The following publications have been ascertained in the context of this evaluation (PMID: 19668216, 23386033). ClinVar contains an entry for this variant (Variation ID: 398). Based on the evidence outlined above, the variant was classified as likely pathogenic.

OMIM
Classification: Pathogenic for JOUBERT SYNDROME 1. Last evaluated: 2009-09-01. Review status: no assertion criteria provided. Collection method: literature only. Allele origin: germline. Not counted in ClinVar's aggregate classification.

Literature cited by the submitters: PubMed 23386033 (cited by Women's Health and Genetics/Laboratory Corporation of America, LabCorp); PubMed 19668216 (cited by Women's Health and Genetics/Laboratory Corporation of America, LabCorp and OMIM).